The following is an entry in ClinVar:

NM_001130987.2(DYSF):c.5068_5069del (p.Asp1690fs)

Gene: DYSF (dysferlin; plus strand). Cytogenetic location: 2p13.2.
Variant type: Deletion.
Coding change: c.5068_5069del on transcript NM_001130987.2 (MANE Select); coding-DNA positions 5068 to 5069, 2 bases deleted (GA; older notation c.5068_5069delGA).
Protein change: p.Asp1690fs; shifts the reading frame from aspartic acid 1690.
Molecular consequence: frameshift variant.
Genome position (GRCh38, 1-based): chr2:71,664,332-71,664,333, GA deleted. VCF-style (leftmost placement, unchanged base first): chr2-71664331-TGA-T. GRCh37 (hg19) VCF-style: chr2-71891461-TGA-T.
Other names: c.4954_4955del, p.Asp1652fs (NM_001130455.2); c.4909_4910del, p.Asp1637fs (NM_001130976.2); c.4972_4973del, p.Asp1658fs (NM_001130977.2); c.5014_5015del, p.Asp1672fs (NM_001130978.2); c.5044_5045del, p.Asp1682fs (NM_001130979.2); c.5002_5003del, p.Asp1668fs (NM_001130980.2); c.5065_5066del, p.Asp1689fs (NM_001130981.2); c.5047_5048del, p.Asp1683fs (NM_001130982.2); and 5 more; short protein forms D1669fs, D1689fs, D1690fs, D1638fs, D1658fs, D1659fs, D1637fs, D1651fs.
Identifiers: ClinVar variation 4726288 (VCV004726288.1).

ClinVar aggregate classification (germline): Pathogenic (1 of 4 stars; one submission).

Conditions:
Neuromuscular disease caused by qualitative or quantitative defects of dysferlin. Also called: Dysferlinopathy; Qualitative or quantitative defects of dysferlin. Identifiers: Orphanet 207073, MedGen C2931687, MONDO:0016145.

Submission:

Labcorp Genetics (formerly Invitae), Labcorp
Classification: Pathogenic for Neuromuscular disease caused by qualitative or quantitative defects of dysferlin. Last evaluated: 2025-09-05. Review status: criteria provided, single submitter. Criteria: Invitae Variant Classification Sherloc (09022015). Collection method: clinical testing. Allele origin: germline.
Comment: This sequence change creates a premature translational stop signal (p.Asp1651Profs*10) in the DYSF gene. It is expected to result in an absent or disrupted protein product. Loss-of-function variants in DYSF are known to be pathogenic (PMID: 17698709, 20301480). This variant is not present in population databases (gnomAD no frequency). This variant has not been reported in the literature in individuals affected with DYSF-related conditions. For these reasons, this variant has been classified as Pathogenic.

Literature cited by the submitters: PubMed 17698709; PubMed 20301480.